The following is an entry in ClinVar:

ClinVar aggregate classification (germline): Uncertain significance (1 of 4 stars; one submission).

Conditions:
Ichthyosis prematurity syndrome (IPS). Also called: ICHTHYOSIS CONGENITA IV. Identifiers: Orphanet 88621, MedGen C1837610, MONDO:0012089, OMIM 608649.

Allele frequency attached by ClinVar (database versions not stated): gnomAD exomes 0.00002; TOPMed 0.00002.
gnomAD v4.1: 25 of 1,613,184 alleles (0.0015%); highest among the groups gnomAD compares: East Asian, 0.0022%; no homozygotes.

Submission:

Neuberg Centre For Genomic Medicine, NCGM
Classification: Uncertain significance for Ichthyosis prematurity syndrome. Review status: criteria provided, single submitter. Criteria: ACMG Guidelines, 2015. Collection method: clinical testing. Allele origin: germline. Inheritance: Autosomal recessive inheritance. Affected: yes.
Comment: The missense variant p.G56S in SLC27A4 (NM_005094.4) has not been reported previously as a pathogenic variant nor as a benign variant, to our knowledge. The p.G56S variant has a GnomAD frequency of 0.002014 % and is novel (not in any individuals) in 1000 Genomes. There is a small physicochemical difference between glycine and serine, which is not likely to impact secondary protein structure as these residues share similar properties. The p.G56S missense variant is predicted to be damaging by both SIFT and PolyPhen2. The glycine residue at codon 56 of SLC27A4 is conserved in all mammalian species. The nucleotide c.166 in SLC27A4 is predicted conserved by GERP++ and PhyloP across 100 vertebrates. For these reasons, this variant has been classified as Uncertain Significance.

NM_005094.4(SLC27A4):c.166G>A (p.Gly56Ser)

Gene: SLC27A4 (solute carrier family 27 member 4; plus strand). Cytogenetic location: 9q34.11.
Variant type: single nucleotide variant.
Coding change: c.166G>A on transcript NM_005094.4 (MANE Select); coding-DNA position 166, G replaced by A.
Protein change: p.Gly56Ser; replaces glycine 56 with serine.
Molecular consequence: missense variant.
Genome position (GRCh38, 1-based): chr9:128,345,159, G>A. VCF-style: chr9-128345159-G-A. GRCh37 (hg19) VCF-style: chr9-131107438-G-A.
Other names: short protein forms G56S.
Identifiers: ClinVar variation 2585313 (VCV002585313.1), dbSNP rs1260284783, ClinGen allele CA375029247.